The following is an entry in ClinVar:

ClinVar aggregate classification (germline): Uncertain significance (1 of 4 stars; one submission).

Conditions:
Inborn genetic diseases. Identifiers: MedGen C0950123, MeSH D030342.

Allele frequency attached by ClinVar (database versions not stated): gnomAD exomes below 0.00001.
gnomAD v4.1: 2 of 1,614,170 alleles (0.00012%); highest among the groups gnomAD compares: Middle Eastern, 0.016%; no homozygotes.

Submission:

Ambry Genetics
Classification: Uncertain significance for Inborn genetic diseases. Last evaluated: 2024-01-11. Review status: criteria provided, single submitter. Criteria: Ambry Variant Classification Scheme 2023. Collection method: clinical testing. Allele origin: germline.
Comment: The p.S10C variant (also known as c.28A>T), located in coding exon 2 of the EPAS1 gene, results from an A to T substitution at nucleotide position 28. The serine at codon 10 is replaced by cysteine, an amino acid with dissimilar properties. This amino acid position is conserved. In addition, this alteration is predicted to be tolerated by in silico analysis. Since supporting evidence is limited at this time, the clinical significance of this alteration remains unclear.

NM_001430.5(EPAS1):c.28A>T (p.Ser10Cys)

Gene: EPAS1 (endothelial PAS domain protein 1; plus strand). Cytogenetic location: 2p21.
Variant type: single nucleotide variant.
Coding change: c.28A>T on transcript NM_001430.5 (MANE Select); coding-DNA position 28, A replaced by T.
Protein change: p.Ser10Cys; replaces serine 10 with cysteine.
Molecular consequence: missense variant.
Genome position (GRCh38, 1-based): chr2:46,346,874, A>T. VCF-style: chr2-46346874-A-T. GRCh37 (hg19) VCF-style: chr2-46574013-A-T.
Other names: short protein forms S10C.
Identifiers: ClinVar variation 3221648 (VCV003221648.1), dbSNP rs2546439730, ClinGen allele CA346696748.
Genomic context (GRCh38, chr2:46,346,874, plus strand): 5'-CAGAGGTATGATAGGCTGACAGTAACCTTTCCGGGACTAACCCCTTCTTCTCCACTTAGG[A>T]GTAGCTCGGAGAGGAGGAAGGAGAAGTCCCGGGATGCTGCGCGGTGCCGGCGGAGCAAGG-3'
Protein context (NP_001421.2, residues 1-20): MTADKEKKR[Ser10Cys]SSERRKEKSR